The following is an entry in ClinVar:

NM_004519.4(KCNQ3):c.954C>A (p.Gly318=)

Gene: KCNQ3 (potassium voltage-gated channel subfamily Q member 3; minus strand). Cytogenetic location: 8q24.22.
Variant type: single nucleotide variant.
Coding change: c.954C>A on transcript NM_004519.4 (MANE Select); coding-DNA position 954, C replaced by A.
Protein change: p.Gly318=; no amino-acid change (glycine 318 retained).
Molecular consequence: synonymous variant.
Genome position (GRCh38, 1-based): chr8:132,174,329, G>T on the plus strand (C>A on the coding strand, the complement: KCNQ3 is on the minus strand). VCF-style: chr8-132174329-G-T. GRCh37 (hg19) VCF-style: chr8-133186576-G-T.
Other names: p.G318G:GGC>GGA; c.594C>A, p.Gly198= (NM_001204824.2).
Identifiers: ClinVar variation 138041 (VCV000138041.15), dbSNP rs143224896, ClinGen allele CA232543.

ClinVar aggregate classification (germline): Conflicting classifications of pathogenicity. Review status: criteria provided, conflicting classifications (1 of 4 stars). 5 submissions from 5 submitters: Uncertain significance (1); Benign (1); Likely benign (3). Last evaluated 2026-09-01.

Conditions:
Benign neonatal seizures. Also called: Benign neonatal familial convulsions; Benign familial neonatal seizures; Benign familial neonatal epilepsy; Convulsions benign familial neonatal dominant form; Autosomal dominant form of benign neonatal seizures. Identifiers: Orphanet 1949, MedGen C0220669, MONDO:0016027.

Allele frequency attached by ClinVar (database versions not stated): gnomAD exomes 0.00001 and 0.00003; TOPMed 0.00008; ExAC 0.00009; gnomAD 0.00009 and 0.00011; ESP Exome Variant Server 0.00024; 1000 Genomes Project 0.00040; 1000 Genomes Project 30x 0.00062.
gnomAD v4.1: 27 of 1,551,956 alleles (0.0017%); highest among the groups gnomAD compares: African/African-American, 0.027%; no homozygotes.

Submissions (5):

CeGaT Center for Human Genetics Tuebingen
Classification: Likely benign. Last evaluated: 2026-09-01. Review status: criteria provided, single submitter. Criteria: CeGaT Center For Human Genetics Tuebingen Variant Classification Criteria Version 2. Collection method: clinical testing. Allele origin: germline. Affected: yes. Observed: 1 variant allele.
Comment: KCNQ3: BP4, BP7

Labcorp Genetics (formerly Invitae), Labcorp
Classification: Likely benign for Benign neonatal seizures. Last evaluated: 2026-02-03. Review status: criteria provided, single submitter. Criteria: Invitae Variant Classification Sherloc (09022015). Collection method: clinical testing. Allele origin: germline.

Blueprint Genetics
Classification: Likely benign. Last evaluated: 2023-10-27. Review status: criteria provided, single submitter. Criteria: ACMG Guidelines, 2015. Collection method: clinical testing. Allele origin: germline.

Eurofins Ntd Llc (ga)
Classification: Uncertain significance. Last evaluated: 2015-02-10. Review status: criteria provided, single submitter. Criteria: EGL Classification Definitions 2015. Collection method: clinical testing. Allele origin: germline. Observed: 1 variant allele, 1 heterozygote.

GeneDx
Classification: Benign. Last evaluated: 2014-03-26. Review status: criteria provided, single submitter. Criteria: GeneDx Variant Classification (06012015). Collection method: clinical testing. Allele origin: germline. Affected: yes.
Comment: This variant is considered likely benign or benign based on one or more of the following criteria: it is a conservative change, it occurs at a poorly conserved position in the protein, it is predicted to be benign by multiple in silico algorithms, and/or has population frequency not consistent with disease.